The following is an entry in ClinVar:

NM_000180.4(GUCY2D):c.2206A>G (p.Met736Val)

Gene: GUCY2D (guanylate cyclase 2D, retinal; plus strand). Cytogenetic location: 17p13.1.
Variant type: single nucleotide variant.
Coding change: c.2206A>G on transcript NM_000180.4 (MANE Select); coding-DNA position 2206, A replaced by G.
Protein change: p.Met736Val; replaces methionine 736 with valine.
Molecular consequence: missense variant.
Genome position (GRCh38, 1-based): chr17:8,013,195, A>G. VCF-style: chr17-8013195-A-G. GRCh37 (hg19) VCF-style: chr17-7916513-A-G.
Other names: short protein forms M736V.
Identifiers: ClinVar variation 1474000 (VCV001474000.6), dbSNP rs2151802824, ClinGen allele CA397952919.
Genomic context (GRCh38, chr17:8,013,195, plus strand): 5'-GACCCAGCCCTGGAGCGCCGGGGAACGCTGGCCGGCGACGTCTTTAGCTTGGCCATCATC[A>G]TGCAAGAAGTAGTGTGCCGCAGTGCCCCTTATGCCATGCTGGAGCTCACTCCCGAGGGTA-3'
Protein context (NP_000171.1, residues 726-746): AGDVFSLAII[Met736Val]QEVVCRSAPY

ClinVar aggregate classification (germline): Uncertain significance (1 of 4 stars; one submission).

Conditions:
Leber congenital amaurosis 1 (LCA1). Also called: RETINAL BLINDNESS, CONGENITAL; AMAUROSIS CONGENITA OF LEBER I; Congenital absence of the rods and cones; Leber's congenital tapetoretinal degeneration; Leber's congenital tapetoretinal dysplasia. Identifiers: Orphanet 65, MedGen C2931258, MONDO:0008764, OMIM 204000.
Cone-rod dystrophy 6 (CORD6). Also called: Cone dystrophy progressive; RETINAL CONE DYSTROPHY 2. Identifiers: Orphanet 1872, MedGen C1866293, MONDO:0011143, OMIM 601777.

Submission:

Labcorp Genetics (formerly Invitae), Labcorp
Classification: Uncertain significance for Leber congenital amaurosis 1; Cone-rod dystrophy 6. Last evaluated: 2022-08-23. Review status: criteria provided, single submitter. Criteria: Invitae Variant Classification Sherloc (09022015). Collection method: clinical testing. Allele origin: germline.
Comment: In summary, the available evidence is currently insufficient to determine the role of this variant in disease. Therefore, it has been classified as a Variant of Uncertain Significance. Algorithms developed to predict the effect of missense changes on protein structure and function are either unavailable or do not agree on the potential impact of this missense change (SIFT: "Deleterious"; PolyPhen-2: "Benign"; Align-GVGD: "Class C0"). ClinVar contains an entry for this variant (Variation ID: 1474000). This variant has not been reported in the literature in individuals affected with GUCY2D-related conditions. This variant is not present in population databases (gnomAD no frequency). This sequence change replaces methionine, which is neutral and non-polar, with valine, which is neutral and non-polar, at codon 736 of the GUCY2D protein (p.Met736Val).